The following is an entry in ClinVar:

NM_031475.3(ESPN):c.1552dup (p.Asp518fs)

Gene: ESPN (espin; plus strand). Cytogenetic location: 1p36.31.
Variant type: Duplication.
Coding change: c.1552dup on transcript NM_031475.3 (MANE Select); coding-DNA position 1552, one base duplicated (G; older notation c.1552dupG).
Protein change: p.Asp518fs; shifts the reading frame from aspartic acid 518.
Molecular consequence: frameshift variant.
Genome position (GRCh38, 1-based): chr1:6,448,728, G duplicated; the last of 5 consecutive G bases (chr1:6,448,724-6,448,728); duplicating any one gives the same sequence. VCF-style (leftmost placement, unchanged base first): chr1-6448723-C-CG. GRCh37 (hg19) VCF-style: chr1-6508783-C-CG.
Other names: c.1552dup, p.Asp518fs (NM_001367473.1, NM_001367474.1); short protein forms D518fs.
Identifiers: ClinVar variation 2816843 (VCV002816843.3), dbSNP rs1193621448, ClinGen allele CA737815250.

ClinVar aggregate classification (germline): Uncertain significance (1 of 4 stars; one submission).

Submission:

Labcorp Genetics (formerly Invitae), Labcorp
Classification: Uncertain significance. Last evaluated: 2022-11-26. Review status: criteria provided, single submitter. Criteria: Invitae Variant Classification Sherloc (09022015). Collection method: clinical testing. Allele origin: germline.
Comment: This sequence change creates a premature translational stop signal (p.Asp518Glyfs*66) in the ESPN gene. It is expected to result in an absent or disrupted protein product. However, the current clinical and genetic evidence is not sufficient to establish whether loss-of-function variants in ESPN cause disease. This variant is not present in population databases (gnomAD no frequency). This variant has not been reported in the literature in individuals affected with ESPN-related conditions. In summary, the available evidence is currently insufficient to determine the role of this variant in disease. Therefore, it has been classified as a Variant of Uncertain Significance.